The following is an entry in ClinVar:

NM_001105206.3(LAMA4):c.1696G>C (p.Asp566His)

Gene: LAMA4 (laminin subunit alpha 4; minus strand). Cytogenetic location: 6q21.
Variant type: single nucleotide variant.
Coding change: c.1696G>C on transcript NM_001105206.3 (MANE Select); coding-DNA position 1696, G replaced by C.
Protein change: p.Asp566His; replaces aspartic acid 566 with histidine.
Molecular consequence: missense variant.
Genome position (GRCh38, 1-based): chr6:112,158,853, C>G on the plus strand (G>C on the coding strand, the complement: LAMA4 is on the minus strand). VCF-style: chr6-112158853-C-G. GRCh37 (hg19) VCF-style: chr6-112480055-C-G.
Other names: c.1675G>C, p.Asp559His (NM_001105207.3, NM_002290.5); c.1675G>C (NM_002290.3); short protein forms D566H, D559H.
Identifiers: ClinVar variation 1032048 (VCV001032048.2), dbSNP rs1780882314, ClinGen allele CA365365857.

ClinVar aggregate classification (germline): Uncertain significance. Review status: criteria provided, multiple submitters, no conflicts (2 of 4 stars). 2 submissions from 2 submitters: Uncertain significance (2). Last evaluated 2024-04-04.

Conditions:
Cardiovascular phenotype. Identifiers: MedGen CN230736.
Dilated cardiomyopathy 1JJ (CMD1JJ). Identifiers: Orphanet 154, MedGen C3808935, MONDO:0014095, OMIM 615235.

Allele frequency attached by ClinVar (database versions not stated): gnomAD exomes below 0.00001.
gnomAD v4.1: 1 of 1,611,964 alleles (0.000062%); highest among the groups gnomAD compares: African/African-American, 0.0013%; no homozygotes.

Submissions (2):

Ambry Genetics
Classification: Uncertain significance for Cardiovascular phenotype. Last evaluated: 2024-04-04. Review status: criteria provided, single submitter. Criteria: Ambry Variant Classification Scheme 2023. Collection method: clinical testing. Allele origin: germline.
Comment: The p.D559H variant (also known as c.1675G>C), located in coding exon 13 of the LAMA4 gene, results from a G to C substitution at nucleotide position 1675. The aspartic acid at codon 559 is replaced by histidine, an amino acid with similar properties. This amino acid position is conserved. In addition, the in silico prediction for this alteration is inconclusive. Based on the available evidence, the clinical significance of this variant remains unclear.

Baylor Genetics
Classification: Uncertain significance for Dilated cardiomyopathy 1JJ. Last evaluated: 2018-04-25. Review status: criteria provided, single submitter. Criteria: ACMG Guidelines, 2015. Collection method: clinical testing. Allele origin: unknown. Affected: yes.
Comment: This variant was determined to be of uncertain significance according to ACMG Guidelines, 2015 [PMID:25741868].